The following is an entry in ClinVar:

ClinVar aggregate classification (germline): Uncertain significance (1 of 4 stars; one submission).

gnomAD v4.1: 1 of 1,614,164 alleles (0.000062%); highest among the groups gnomAD compares: East Asian, 0.0022%; no homozygotes.

Submission:

Women's Health and Genetics/Laboratory Corporation of America, LabCorp
Classification: Uncertain significance. Last evaluated: 2024-05-23. Review status: criteria provided, single submitter. Criteria: LabCorp Variant Classification Summary - May 2015. Collection method: clinical testing. Allele origin: germline.
Comment: Variant summary: GLB1 c.101T>C (p.Ile34Thr) results in a non-conservative amino acid change in the encoded protein sequence. Three of five in-silico tools predict a damaging effect of the variant on protein function. The variant was absent in 249512 control chromosomes. The available data on variant occurrences in the general population are insufficient to allow any conclusion about variant significance. c.101T>C has been reported in the literature in the compound heterozygous state with a pathogenic variant in an individual affected with GM1 Gangliosidosis (Lan_2019). These data do not allow any conclusion about variant significance. To our knowledge, no experimental evidence demonstrating an impact on protein function has been reported. The following publication has been ascertained in the context of this evaluation (PMID: 30675867). No submitters have cited clinical-significance assessments for this variant to ClinVar. Based on the evidence outlined above, the variant was classified as uncertain significance.

Literature cited by the submitters: PubMed 30675867.

NM_000404.4(GLB1):c.101T>C (p.Ile34Thr)

Gene: GLB1 (galactosidase beta 1; minus strand). Cytogenetic location: 3p22.3.
Variant type: single nucleotide variant.
Coding change: c.101T>C on transcript NM_000404.4 (MANE Select); coding-DNA position 101, T replaced by C.
Protein change: p.Ile34Thr; replaces isoleucine 34 with threonine.
Molecular consequence: missense variant.
Genome position (GRCh38, 1-based): chr3:33,072,688, A>G on the plus strand (T>C on the coding strand, the complement: GLB1 is on the minus strand). VCF-style: chr3-33072688-A-G. GRCh37 (hg19) VCF-style: chr3-33114180-A-G.
Other names: c.11T>C, p.Ile4Thr (NM_001079811.3); c.101T>C, p.Ile34Thr (NM_001135602.3, NM_001393580.1); c.245T>C, p.Ile82Thr (NM_001317040.2); short protein forms I34T, I4T, I82T.
Identifiers: ClinVar variation 3336417 (VCV003336417.1).
Genomic context (GRCh38, chr3:33,072,688, plus strand): 5'-CTTCCTGAGATGTAGCGAAATGGCTGGCCATCCTTGAGGAAGGAGTCCCGGCTATAGTCA[A>G]TTTCAAACATCCTCTGGGTGGCATTCTACAGAGCAAGGATGGGGTCACATGAGAACTTCC-3'
Protein context (NP_000395.3, residues 24-44): LRNATQRMFE[Ile34Thr]DYSRDSFLKD